The following is an entry in ClinVar:

NM_138713.4(NFAT5):c.4474A>C (p.Ser1492Arg)

Gene: NFAT5 (nuclear factor of activated T cells 5; plus strand). Cytogenetic location: 16q22.1.
Variant type: single nucleotide variant.
Coding change: c.4474A>C on transcript NM_138713.4 (MANE Select); coding-DNA position 4474, A replaced by C.
Protein change: p.Ser1492Arg; replaces serine 1492 with arginine.
Molecular consequence: missense variant.
Genome position (GRCh38, 1-based): chr16:69,695,195, A>C. VCF-style: chr16-69695195-A-C. GRCh37 (hg19) VCF-style: chr16-69729098-A-C.
Other names: c.4471A>C, p.Ser1491Arg (NM_001113178.3); c.3799A>C, p.Ser1267Arg (NM_001367709.1); c.4420A>C, p.Ser1474Arg (NM_006599.4); c.4192A>C, p.Ser1398Arg (NM_138714.4, NM_173214.3, NM_173215.3); short protein forms S1398R, S1491R, S1492R, S1267R, S1474R.
Identifiers: ClinVar variation 1941745 (VCV001941745.5), dbSNP rs1483837988, ClinGen allele CA396515891.

ClinVar aggregate classification (germline): Uncertain significance (1 of 4 stars; one submission).

Conditions:
Immunodeficiency. Identifiers: MedGen C0021051, MONDO:0021094, HP:0002721.

Submission:

Labcorp Genetics (formerly Invitae), Labcorp
Classification: Uncertain significance for Immunodeficiency. Last evaluated: 2023-11-24. Review status: criteria provided, single submitter. Criteria: Invitae Variant Classification Sherloc (09022015). Collection method: clinical testing. Allele origin: germline.
Comment: This sequence change replaces serine, which is neutral and polar, with arginine, which is basic and polar, at codon 1398 of the NFAT5 protein (p.Ser1398Arg). This variant is not present in population databases (gnomAD no frequency). This variant has not been reported in the literature in individuals affected with NFAT5-related conditions. ClinVar contains an entry for this variant (Variation ID: 1941745). An algorithm developed to predict the effect of missense changes on protein structure and function (PolyPhen-2) suggests that this variant is likely to be tolerated. In summary, the available evidence is currently insufficient to determine the role of this variant in disease. Therefore, it has been classified as a Variant of Uncertain Significance.